The following is an entry in ClinVar:

NM_005732.4(RAD50):c.685A>C (p.Ser229Arg)

Gene: RAD50 (RAD50 double strand break repair protein; plus strand). Cytogenetic location: 5q31.1.
Variant type: single nucleotide variant.
Coding change: c.685A>C on transcript NM_005732.4 (MANE Select); coding-DNA position 685, A replaced by C.
Protein change: p.Ser229Arg; replaces serine 229 with arginine.
Molecular consequence: missense variant.
Genome position (GRCh38, 1-based): chr5:132,579,995, A>C. VCF-style: chr5-132579995-A-C. GRCh37 (hg19) VCF-style: chr5-131915687-A-C.
Other names: short protein forms S229R.
Identifiers: ClinVar variation 850157 (VCV000850157.11), dbSNP rs1406271072, ClinGen allele CA360936507.

ClinVar aggregate classification (germline): Uncertain significance. Review status: criteria provided, multiple submitters, no conflicts (2 of 4 stars). 2 submissions from 2 submitters: Uncertain significance (2). Last evaluated 2026-08-18.

Conditions:
Hereditary cancer-predisposing syndrome. Also called: Tumor predisposition; Hereditary neoplastic syndrome; Neoplastic Syndromes, Hereditary; Hereditary Cancer Syndrome. Identifiers: Orphanet 140162, MedGen C0027672, MeSH D009386, MONDO:0015356.

Allele frequency attached by ClinVar (database versions not stated): gnomAD exomes below 0.00001.
gnomAD v4.1: 1 of 1,613,442 alleles (0.000062%); highest among the groups gnomAD compares: Non-Finnish European, 0.000085%; no homozygotes.

Submissions (2):

Ambry Genetics
Classification: Uncertain significance for Hereditary cancer-predisposing syndrome. Last evaluated: 2026-08-18. Review status: criteria provided, single submitter. Criteria: Ambry Variant Classification Scheme 2023. Collection method: clinical testing. Allele origin: germline.
Comment: The p.S229R variant (also known as c.685A>C), located in coding exon 5 of the RAD50 gene, results from an A to C substitution at nucleotide position 685. The serine at codon 229 is replaced by arginine, an amino acid with dissimilar properties. This amino acid position is conserved. In addition, this alteration is predicted to be tolerated by in silico analysis. Based on the available evidence, the clinical significance of this variant remains unclear.

Labcorp Genetics (formerly Invitae), Labcorp
Classification: Uncertain significance for Hereditary cancer-predisposing syndrome. Last evaluated: 2024-05-20. Review status: criteria provided, single submitter. Criteria: Invitae Variant Classification Sherloc (09022015). Collection method: clinical testing. Allele origin: germline.
Comment: This sequence change replaces serine, which is neutral and polar, with arginine, which is basic and polar, at codon 229 of the RAD50 protein (p.Ser229Arg). This variant is present in population databases (no rsID available, gnomAD 0.0009%). This variant has not been reported in the literature in individuals affected with RAD50-related conditions. ClinVar contains an entry for this variant (Variation ID: 850157). Advanced modeling of protein sequence and biophysical properties (such as structural, functional, and spatial information, amino acid conservation, physicochemical variation, residue mobility, and thermodynamic stability) performed at Invitae indicates that this missense variant is not expected to disrupt RAD50 protein function with a negative predictive value of 80%. In summary, the available evidence is currently insufficient to determine the role of this variant in disease. Therefore, it has been classified as a Variant of Uncertain Significance.